The following is an entry in ClinVar:

ClinVar aggregate classification (germline): Likely pathogenic (1 of 4 stars; one submission).

Conditions:
Galactosemia. Also called: Galactose intolerance. Identifiers: Orphanet 352, MedGen C0016952, MONDO:0018116, HP:0004919. Disease mechanism: loss of function.

Submission:

Natera, Inc.
Classification: Likely pathogenic for Galactosemia. Last evaluated: 2025-09-15. Review status: criteria provided, single submitter. Criteria: Natera Variant Classification Schema (03/2026). Collection method: clinical testing. Allele origin: germline.
Comment: The c.1006A>C variant in GALT is a missense variant predicted to cause substitution of methionine to leucine at amino acid 336. This variant is rare in the general population with a frequency below the threshold expected for the associated phenotype(s). Another variant at this same site results in an alteration predicted to cause a similar molecular effect has been observed in individual(s) with the associated phenotype. Given the available evidence, this variant is classified as Likely Pathogenic.

NM_000155.4(GALT):c.1006A>C (p.Met336Leu)

Gene: GALT (galactose-1-phosphate uridylyltransferase; plus strand). Cytogenetic location: 9p13.3.
Variant type: single nucleotide variant.
Coding change: c.1006A>C on transcript NM_000155.4 (MANE Select); coding-DNA position 1006, A replaced by C.
Protein change: p.Met336Leu; replaces methionine 336 with leucine.
Molecular consequence: missense variant.
Genome position (GRCh38, 1-based): chr9:34,649,511, A>C. VCF-style: chr9-34649511-A-C. GRCh37 (hg19) VCF-style: chr9-34649508-A-C.
Other names: c.679A>C, p.Met227Leu (NM_001258332.2); short protein forms M227L, M336L.
Identifiers: ClinVar variation 4817617 (VCV004817617.1).